The following is an entry in ClinVar:

NM_000051.4(ATM):c.5346A>G (p.Lys1782=)

Gene: ATM (ATM serine/threonine kinase; plus strand). Cytogenetic location: 11q22.3.
Variant type: single nucleotide variant.
Coding change: c.5346A>G on transcript NM_000051.4 (MANE Select); coding-DNA position 5346, A replaced by G.
Protein change: p.Lys1782=; no amino-acid change (lysine 1782 retained).
Molecular consequence: synonymous variant.
Genome position (GRCh38, 1-based): chr11:108,302,879, A>G. VCF-style: chr11-108302879-A-G. GRCh37 (hg19) VCF-style: chr11-108173606-A-G.
Other names: c.5346A>G, p.Lys1782= (NM_001351834.2).
Identifiers: ClinVar variation 1192216 (VCV001192216.2), dbSNP rs1555106345, ClinGen allele CA476674894.

ClinVar aggregate classification (germline): Conflicting classifications of pathogenicity. Review status: criteria provided, conflicting classifications (1 of 4 stars). 2 submissions from 2 submitters: Uncertain significance (1); Likely benign (1). Last evaluated 2024-06-10.

Submissions (2):

Quest Diagnostics Nichols Institute San Juan Capistrano
Classification: Uncertain significance. Last evaluated: 2024-06-10. Review status: criteria provided, single submitter. Criteria: Quest Diagnostics criteria. Collection method: clinical testing. Allele origin: unknown.

Women's Health and Genetics/Laboratory Corporation of America, LabCorp
Classification: Likely benign. Last evaluated: 2021-07-31. Review status: criteria provided, single submitter. Criteria: LabCorp Variant Classification Summary - May 2015. Collection method: clinical testing. Allele origin: germline.
Comment: Variant summary: ATM c.5346A>G alters a non-conserved nucleotide resulting in a synonymous change. 4/4 computational tools predict no significant impact on normal splicing. However, these predictions have yet to be confirmed by functional studies. The variant was absent in 250686 control chromosomes. The available data on variant occurrences in the general population are insufficient to allow any conclusion about variant significance. To our knowledge, no occurrence of c.5346A>G in individuals affected with Breast Cancer and no experimental evidence demonstrating its impact on protein function have been reported. No clinical diagnostic laboratories have submitted clinical-significance assessments for this variant to ClinVar after 2014. Based on the evidence outlined above, the variant was classified as likely benign.